The following is an entry in ClinVar:

NM_030923.5(TMEM163):c.240A>T (p.Glu80Asp)

Gene: TMEM163 (transmembrane protein 163; minus strand). Cytogenetic location: 2q21.3.
Variant type: single nucleotide variant.
Coding change: c.240A>T on transcript NM_030923.5 (MANE Select); coding-DNA position 240, A replaced by T.
Protein change: p.Glu80Asp; replaces glutamic acid 80 with aspartic acid.
Molecular consequence: missense variant.
Genome position (GRCh38, 1-based): chr2:134,713,282, T>A on the plus strand (A>T on the coding strand, the complement: TMEM163 is on the minus strand). VCF-style: chr2-134713282-T-A. GRCh37 (hg19) VCF-style: chr2-135470852-T-A.
Other names: short protein forms E80D.
Identifiers: ClinVar variation 3572629 (VCV003572629.1).

ClinVar aggregate classification (germline): Uncertain significance (1 of 4 stars; one submission).

Submission:

GeneDx
Classification: Uncertain significance. Last evaluated: 2024-07-09. Review status: criteria provided, single submitter. Criteria: GeneDx Variant Classification Process June 2021. Collection method: clinical testing. Allele origin: germline. Affected: yes.
Comment: Not observed at significant frequency in large population cohorts (gnomAD); In silico analysis indicates that this missense variant does not alter protein structure/function; Has not been previously published as pathogenic or benign to our knowledge